The following is an entry in ClinVar:

ClinVar aggregate classification (germline): Uncertain significance. Review status: criteria provided, multiple submitters, no conflicts (2 of 4 stars). 2 submissions from 2 submitters: Uncertain significance (2). Last evaluated 2022-02-24.

Conditions:
Inborn genetic diseases. Identifiers: MedGen C0950123, MeSH D030342.
Autism, susceptibility to, X-linked 4 (AUTSX4). Identifiers: MedGen C0795888, MONDO:0010440, OMIM 300830.

Allele frequency attached by ClinVar (database versions not stated): ExAC 0.00001; gnomAD 0.00001; gnomAD exomes 0.00002 and 0.00005.

Submissions (2):

Fulgent Genetics
Classification: Uncertain significance for Autism, susceptibility to, X-linked 4. Last evaluated: 2022-02-24. Review status: criteria provided, single submitter. Criteria: ACMG Guidelines, 2015. Collection method: clinical testing. Allele origin: unknown.

Ambry Genetics
Classification: Uncertain significance for Inborn genetic diseases. Last evaluated: 2016-06-24. Review status: criteria provided, single submitter. Criteria: Ambry Variant Classification Scheme 2023. Collection method: clinical testing. Allele origin: germline.
Comment: The p.L39F variant (also known as c.115C>T), located in coding exon 1 of the PTCHD1 gene, results from a C to T substitution at nucleotide position 115. The leucine at codon 39 is replaced by phenylalanine, an amino acid with highly similar properties. This variant was not reported in population based cohorts in the following databases: Database of Single Nucleotide Polymorphisms (dbSNP), NHLBI Exome Sequencing Project (ESP), and 1000 Genomes Project. In the ESP, this variant was not observed in 6413 samples with coverage at this position. This amino acid position is highly conserved in available vertebrate species. In addition, this alteration is predicted to be deleterious by in silico analysis. Since supporting evidence is limited at this time, the clinical significance of this variant remains unclear.

NM_173495.3(PTCHD1):c.115C>T (p.Leu39Phe)

Gene: PTCHD1 (patched domain containing 1; plus strand). Cytogenetic location: Xp22.11.
Variant type: single nucleotide variant.
Coding change: c.115C>T on transcript NM_173495.3 (MANE Select); coding-DNA position 115, C replaced by T.
Protein change: p.Leu39Phe; replaces leucine 39 with phenylalanine.
Molecular consequence: missense variant.
Genome position (GRCh38, 1-based): chrX:23,334,990, C>T. VCF-style: chrX-23334990-C-T. GRCh37 (hg19) VCF-style: chrX-23353107-C-T.
Other names: short protein forms L39F.
Identifiers: ClinVar variation 589280 (VCV000589280.6), dbSNP rs763356514, ClinGen allele CA10368968.